The following is an entry in ClinVar:

NM_004380.3(CREBBP):c.5615T>C (p.Met1872Thr)

Gene: CREBBP (CREB binding lysine acetyltransferase; minus strand). Cytogenetic location: 16p13.3.
Variant type: single nucleotide variant.
Coding change: c.5615T>C on transcript NM_004380.3 (MANE Select); coding-DNA position 5615, T replaced by C.
Protein change: p.Met1872Thr; replaces methionine 1872 with threonine.
Molecular consequence: missense variant.
Genome position (GRCh38, 1-based): chr16:3,729,432, A>G on the plus strand (T>C on the coding strand, the complement: CREBBP is on the minus strand). VCF-style: chr16-3729432-A-G. GRCh37 (hg19) VCF-style: chr16-3779433-A-G.
Other names: c.5501T>C, p.Met1834Thr (NM_001079846.1); short protein forms M1872T, M1834T.
Identifiers: ClinVar variation 252628 (VCV000252628.10), dbSNP rs879255381, ClinGen allele CA10586027.

ClinVar aggregate classification (germline): Pathogenic/Likely pathogenic. Review status: criteria provided, multiple submitters, no conflicts (2 of 4 stars). 5 submissions from 5 submitters: Pathogenic (1); Likely pathogenic (2). 2 of the submissions do not count toward it. Last evaluated 2024-10-10.

Conditions:
Menke-Hennekam syndrome 1 (MKHK1). Identifiers: MedGen C5193034, MONDO:0020763, OMIM 618332.
Rubinstein-Taybi syndrome (RSTS). Identifiers: Orphanet 783, MedGen C0035934, MONDO:0019188.

Submissions (5):

Victorian Clinical Genetics Services, Murdoch Childrens Research Institute
Classification: Pathogenic for Menke-Hennekam syndrome 1. Last evaluated: 2024-10-10. Review status: criteria provided, single submitter. Criteria: ACMG Guidelines, 2015. Collection method: clinical testing. Allele origin: germline. Inheritance: Autosomal dominant inheritance. Affected: yes.
Comment: Based on the classification scheme VCGS_Germline_v1.3.5, this variant is classified as Pathogenic. Following criteria are met: 0102 - Loss of function is a known mechanism of disease in this gene and is associated with Menke-Hennekam syndrome 1 (MIM#618332) and Rubinstein-Taybi syndrome 1 (MIM#180849). (I) 0107 - This gene is associated with autosomal dominant disease. (I) 0200 - Variant is predicted to result in a missense amino acid change from methionine to threonine. (I) 0251 - This variant is heterozygous. (I) 0301 - Variant is absent from gnomAD (v2, v3 and v4). (SP) 0501 - Missense variant consistently predicted to be damaging by multiple in silico tools or highly conserved with a major amino acid change. (SP) 0602 - Variant is located in a hotspot region or cluster of pathogenic variants. A cluster of pathogenic variants have been reported between residues p.1865 and p.1872 (DECIPHER). (SP) 0701 - Other missense variants comparable to the one identified in this case have very strong previous evidence for pathogenicity. p.(Met1872Val) has been reported eight times as pathogenic or likely pathogenic and has been demonstrated to be de novo in six affected individuals (ClinVar, DECIPHER, PMIDs: 29460469, 27311832, 34652060). p.(Met1872Arg) has been reported once as likely pathogenic in an individual suspected of having Menke-Hennekam syndrome 1. This variant was de novo in this individual (PMID: 38553851). (SP) 0802 - This variant has moderate previous evidence of pathogenicity in unrelated individuals. This variant has been reported twice as likely pathogenic and once as a VUS, however this entry is dated 2015 (ClinVar). This variant has also been shown to be de novo in an individual with dysmorphic features, autistic features and global developmental delay and called likely pathogenic (DECIPHER). (SP) 0905 - No published segregation evidence has been identified for this variant. (I) 1007 - No published functional evidence has been identified for this variant. (I) 1208 - Inheritance information for this variant is not currently available in this individual. (I) Legend: (SP) - Supporting pathogenic, (I) - Information, (SB) - Supporting benign

GeneDx
Classification: Likely pathogenic. Last evaluated: 2024-08-26. Review status: criteria provided, single submitter. Criteria: GeneDx Variant Classification Process June 2021. Collection method: clinical testing. Allele origin: germline. Affected: yes.
Comment: Not observed at significant frequency in large population cohorts (gnomAD); In silico analysis supports that this missense variant has a deleterious effect on protein structure/function; Has not been previously published as pathogenic or benign to our knowledge; This variant is associated with the following publications: (PMID: 27311832, 29460469)

Labcorp Genetics (formerly Invitae), Labcorp
Classification: Likely pathogenic for Rubinstein-Taybi syndrome. Last evaluated: 2022-08-02. Review status: criteria provided, single submitter. Criteria: Invitae Variant Classification Sherloc (09022015). Collection method: clinical testing. Allele origin: germline.
Comment: In summary, the currently available evidence indicates that the variant is pathogenic, but additional data are needed to prove that conclusively. Therefore, this variant has been classified as Likely Pathogenic. This variant disrupts the p.Met1872 amino acid residue in CREBBP. Other variant(s) that disrupt this residue have been determined to be pathogenic (PMID: 27311832, 29460469). This suggests that this residue is clinically significant, and that variants that disrupt this residue are likely to be disease-causing. Advanced modeling of protein sequence and biophysical properties (such as structural, functional, and spatial information, amino acid conservation, physicochemical variation, residue mobility, and thermodynamic stability) performed at Invitae indicates that this missense variant is expected to disrupt CREBBP protein function. ClinVar contains an entry for this variant (Variation ID: 252628). This variant has not been reported in the literature in individuals affected with CREBBP-related conditions. This variant is not present in population databases (gnomAD no frequency). This sequence change replaces methionine, which is neutral and non-polar, with threonine, which is neutral and polar, at codon 1872 of the CREBBP protein (p.Met1872Thr).

Clinical Genetics Laboratory, University Hospital Schleswig-Holstein
Classification: Likely pathogenic for Menke-Hennekam syndrome 1. Last evaluated: 2021-11-02. Review status: no assertion criteria provided. Collection method: clinical testing. Allele origin: germline. Affected: yes. Not counted in ClinVar's aggregate classification.

Genomic Diagnostic Laboratory, Division of Genomic Diagnostics, Children's Hospital of Philadelphia
Classification: Uncertain significance. Last evaluated: 2015-12-22. Review status: flagged submission. Criteria: DGD Variant Analysis Guidelines. Collection method: clinical testing. Allele origin: unknown. Not counted in ClinVar's aggregate classification.
ClinVar note: Reason: Older and outlier claim with insufficient supporting evidence

Literature cited by the submitters: PubMed 27311832 (cited by Victorian Clinical Genetics Services, Murdoch Childrens Research Institute and Labcorp Genetics (formerly Invitae), Labcorp); PubMed 29460469 (cited by Victorian Clinical Genetics Services, Murdoch Childrens Research Institute and Labcorp Genetics (formerly Invitae), Labcorp); PubMed 34652060 (cited by Victorian Clinical Genetics Services, Murdoch Childrens Research Institute); PubMed 38553851 (cited by Victorian Clinical Genetics Services, Murdoch Childrens Research Institute).